The following is an entry in ClinVar:

NM_004369.4(COL6A3):c.6409-2A>G

Gene: COL6A3 (collagen type VI alpha 3 chain; minus strand). Cytogenetic location: 2q37.3.
Variant type: single nucleotide variant.
Coding change: c.6409-2A>G on transcript NM_004369.4 (MANE Select); the canonical splice acceptor site of the intron before coding-DNA position 6409, A replaced by G.
Molecular consequence: splice acceptor variant.
Genome position (GRCh38, 1-based): chr2:237,358,585, T>C on the plus strand (A>G on the coding strand, the complement: COL6A3 is on the minus strand). VCF-style: chr2-237358585-T-C. GRCh37 (hg19) VCF-style: chr2-238267228-T-C.
Other names: c.4588-2A>G (NM_057166.5); c.5791-2A>G (NM_057167.4).
Identifiers: ClinVar variation 3727088 (VCV003727088.2).

ClinVar aggregate classification (germline): Likely pathogenic (1 of 4 stars; one submission).

Conditions:
Bethlem myopathy 1A. Also called: MYOPATHY, BENIGN CONGENITAL, WITH CONTRACTURES; Bethlem Muscular Dystrophy; Bethlem myopathy 1. Identifiers: Orphanet 610, MedGen CN029274, MONDO:0024530, OMIM 158810.

Submission:

Labcorp Genetics (formerly Invitae), Labcorp
Classification: Likely pathogenic for Bethlem myopathy 1A. Last evaluated: 2024-12-12. Review status: criteria provided, single submitter. Criteria: Invitae Variant Classification Sherloc (09022015). Collection method: clinical testing. Allele origin: germline.
Comment: This sequence change affects an acceptor splice site in intron 20 of the COL6A3 gene. It is expected to disrupt RNA splicing. Variants that disrupt the donor or acceptor splice site typically lead to a loss of protein function (PMID: 16199547), and loss-of-function variants in COL6A3 are known to be pathogenic (PMID: 26004199). This variant is not present in population databases (gnomAD no frequency). This variant has not been reported in the literature in individuals affected with COL6A3-related conditions. Algorithms developed to predict the effect of sequence changes on RNA splicing suggest that this variant may disrupt the consensus splice site. In summary, the currently available evidence indicates that the variant is pathogenic, but additional data are needed to prove that conclusively. Therefore, this variant has been classified as Likely Pathogenic.

Literature cited by the submitters: PubMed 16199547; PubMed 26004199.